The following is an entry in ClinVar:

ClinVar aggregate classification (germline): Uncertain significance (1 of 4 stars; one submission).

Conditions:
Inborn genetic diseases. Identifiers: MedGen C0950123, MeSH D030342.

Submission:

Ambry Genetics
Classification: Uncertain significance for Inborn genetic diseases. Last evaluated: 2022-12-31. Review status: criteria provided, single submitter. Criteria: Ambry Variant Classification Scheme 2023. Collection method: clinical testing. Allele origin: germline.
Comment: The p.E133K variant (also known as c.397G>A), located in coding exon 4 of the AKT1 gene, results from a G to A substitution at nucleotide position 397. The glutamic acid at codon 133 is replaced by lysine, an amino acid with similar properties. This amino acid position is conserved. In addition, this alteration is predicted to be tolerated by in silico analysis. Since supporting evidence is limited at this time, the clinical significance of this alteration remains unclear.

NM_001382430.1(AKT1):c.397G>A (p.Glu133Lys)

Gene: AKT1 (AKT serine/threonine kinase 1; minus strand). Cytogenetic location: 14q32.33.
Variant type: single nucleotide variant.
Coding change: c.397G>A on transcript NM_001382430.1 (MANE Select); coding-DNA position 397, G replaced by A.
Protein change: p.Glu133Lys; replaces glutamic acid 133 with lysine.
Molecular consequence: missense variant.
Genome position (GRCh38, 1-based): chr14:104,775,690, C>T on the plus strand (G>A on the coding strand, the complement: AKT1 is on the minus strand). VCF-style: chr14-104775690-C-T. GRCh37 (hg19) VCF-style: chr14-105242027-C-T.
Other names: c.397G>A, p.Glu133Lys (NM_001014431.2, NM_001014432.2, NM_001382431.1 and 3 more transcripts); short protein forms E133K.
Identifiers: ClinVar variation 2447434 (VCV002447434.2), dbSNP rs2542149266, ClinGen allele CA391220063.